The following is an entry in ClinVar:

NM_025077.4(TOE1):c.*10C>T

Gene: TOE1 (target of EGR1, exonuclease; plus strand). Cytogenetic location: 1p34.1.
Variant type: single nucleotide variant.
Coding change: c.*10C>T on transcript NM_025077.4 (MANE Select); 10 bases downstream of the stop codon, C replaced by T.
Molecular consequence: 3 prime UTR variant.
Genome position (GRCh38, 1-based): chr1:45,343,712, C>T. VCF-style: chr1-45343712-C-T. GRCh37 (hg19) VCF-style: chr1-45809384-C-T.
Identifiers: ClinVar variation 4990480 (VCV004990480.1).

ClinVar aggregate classification (germline): Likely benign (1 of 4 stars; one submission).

Conditions:
TOE1-related disorder. Also called: TOE1-related condition.

Submission:

PreventionGenetics, part of Exact Sciences
Classification: Likely benign for TOE1-related condition. Last evaluated: 2025-01-27. Review status: criteria provided, single submitter. Criteria: ACMG Guidelines, 2015. Collection method: clinical testing. Allele origin: germline.
Comment: This variant is classified as likely benign based on ACMG/AMP sequence variant interpretation guidelines (Richards et al. 2015 PMID: 25741868, with internal and published modifications).